The following is an entry in ClinVar:

NM_198428.3(BBS9):c.509C>A (p.Ala170Asp)

Gene: BBS9 (Bardet-Biedl syndrome 9; plus strand). Cytogenetic location: 7p14.3.
Variant type: single nucleotide variant.
Coding change: c.509C>A on transcript NM_198428.3 (MANE Select); coding-DNA position 509, C replaced by A.
Protein change: p.Ala170Asp; replaces alanine 170 with aspartic acid.
Molecular consequence: missense variant. On other transcripts: non-coding transcript variant (3).
Genome position (GRCh38, 1-based): chr7:33,257,302, C>A. VCF-style: chr7-33257302-C-A. GRCh37 (hg19) VCF-style: chr7-33296914-C-A.
Other names: c.509C>A, p.Ala170Asp (NM_001033604.2, NM_001033605.2, NM_001348036.1 and 7 more transcripts); c.143C>A, p.Ala48Asp (NM_001348037.3, NM_001348044.3, NM_001348045.3 and 1 more transcripts); c.236C>A, p.Ala79Asp (NM_001348038.3, NM_001348039.3); c.374C>A, p.Ala125Asp (NM_001348042.3); short protein forms A125D, A48D, A170D, A79D.
Identifiers: ClinVar variation 1978396 (VCV001978396.2), dbSNP rs751423443, ClinGen allele CA4214027.
Genomic context (GRCh38, chr7:33,257,302, plus strand): 5'-ATTTAATTTGCATCCAGTCTATGGATGGGATGCTGATGGTATTTGAGCAGGAGAGCTATG[C>A]TTTTGGAAGATTTCTCCCTGGCTTTCTTCTGCCTGGTCCTCTTGCCTACAGTTCCCGTAC-3'
Protein context (NP_940820.1, residues 160-180): MLMVFEQESY[Ala170Asp]FGRFLPGFLL

ClinVar aggregate classification (germline): Uncertain significance. Review status: criteria provided, multiple submitters, no conflicts (2 of 4 stars). 2 submissions from 2 submitters: Uncertain significance (2). Last evaluated 2022-12-05.

Conditions:
Bardet-Biedl syndrome (BBS). Identifiers: Orphanet 110, MedGen C0752166, MONDO:0015229.

Allele frequency attached by ClinVar (database versions not stated): TOPMed below 0.00001; gnomAD 0.00001; ExAC 0.00002.
gnomAD v4.1: 11 of 1,613,682 alleles (0.00068%); highest among the groups gnomAD compares: Non-Finnish European, 0.00093%; no homozygotes.

Submissions (2):

Blueprint Genetics
Classification: Uncertain significance. Last evaluated: 2022-12-05. Review status: criteria provided, single submitter. Criteria: ACMG Guidelines, 2015. Collection method: clinical testing. Allele origin: germline.

Labcorp Genetics (formerly Invitae), Labcorp
Classification: Uncertain significance for Bardet-Biedl syndrome. Last evaluated: 2022-05-06. Review status: criteria provided, single submitter. Criteria: Invitae Variant Classification Sherloc (09022015). Collection method: clinical testing. Allele origin: germline.
Comment: This sequence change replaces alanine, which is neutral and non-polar, with aspartic acid, which is acidic and polar, at codon 170 of the BBS9 protein (p.Ala170Asp). This variant is present in population databases (rs751423443, gnomAD 0.003%). This variant has not been reported in the literature in individuals affected with BBS9-related conditions. Algorithms developed to predict the effect of missense changes on protein structure and function (SIFT, PolyPhen-2, Align-GVGD) all suggest that this variant is likely to be disruptive. In summary, the available evidence is currently insufficient to determine the role of this variant in disease. Therefore, it has been classified as a Variant of Uncertain Significance.